The following is an entry in ClinVar:

NM_001110556.2(FLNA):c.3815G>A (p.Arg1272His)

Gene: FLNA (filamin A; minus strand). Cytogenetic location: Xq28.
Variant type: single nucleotide variant.
Coding change: c.3815G>A on transcript NM_001110556.2 (MANE Select); coding-DNA position 3815, G replaced by A.
Protein change: p.Arg1272His; replaces arginine 1272 with histidine.
Molecular consequence: missense variant.
Genome position (GRCh38, 1-based): chrX:154,359,896, C>T on the plus strand (G>A on the coding strand, the complement: FLNA is on the minus strand). VCF-style: chrX-154359896-C-T. GRCh37 (hg19) VCF-style: chrX-153588264-C-T.
Other names: c.3815G>A, p.Arg1272His (NM_001456.4); short protein forms R1272H.
Identifiers: ClinVar variation 1306435 (VCV001306435.9), dbSNP rs2067691676, ClinGen allele CA415222396.

ClinVar aggregate classification (germline): Uncertain significance. Review status: criteria provided, multiple submitters, no conflicts (2 of 4 stars). 4 submissions from 4 submitters: Uncertain significance (4). Last evaluated 2025-12-12.

Conditions:
Oto-palato-digital syndrome, type II (OPD2). Also called: Otopalatodigital Syndrome, Type II; Otopalatodigital Syndrome Type 2 (FLNA-OPD2); OPD II SYNDROME; FACIOPALATOOSSEOUS SYNDROME. Identifiers: Orphanet 669, Orphanet 90652, MedGen C1844696, MONDO:0010571, OMIM 304120.
Melnick-Needles syndrome (MNS). Also called: Melnick-Needles Syndrome (FLNA-MNS); MELNICK-NEEDLES OSTEODYSPLASTY; OSTEODYSPLASTY OF MELNICK AND NEEDLES. Identifiers: Orphanet 2484, MedGen C0025237, MONDO:0010650, OMIM 309350.
Frontometaphyseal dysplasia (FMD1). Identifiers: Orphanet 1826, MedGen C0265293, MONDO:0015942.
Heterotopia, periventricular, X-linked dominant (PVNH1). Also called: PERIVENTRICULAR NODULAR HETEROTOPIA 1; X-linked periventricular heterotopia; PERIVENTRICULAR NODULAR HETEROTOPIA 4; HETEROTOPIA, PERIVENTRICULAR, 1. Identifiers: Orphanet 2149, Orphanet 82004, MedGen C1848213, MONDO:0010233, OMIM 300049.
Familial thoracic aortic aneurysm and aortic dissection (TAAD). Also called: Thoracic aortic aneurysms and dissections. Identifiers: Orphanet 91387, MedGen C4707243, MONDO:0019625.

Allele frequency attached by ClinVar (database versions not stated): TOPMed below 0.00001; gnomAD 0.00001.
gnomAD v4.1: 4 of 1,209,129 alleles (0.00033%); highest among the groups gnomAD compares: Non-Finnish European, 0.00045%; no homozygotes.

Submissions (4):

Ambry Genetics
Classification: Uncertain significance for Familial thoracic aortic aneurysm and aortic dissection. Last evaluated: 2025-12-12. Review status: criteria provided, single submitter. Criteria: Ambry Variant Classification Scheme 2023. Collection method: clinical testing. Allele origin: germline.
Comment: The p.R1272H variant (also known as c.3815G>A), located in coding exon 22 of the FLNA gene, results from a G to A substitution at nucleotide position 3815. The arginine at codon 1272 is replaced by histidine, an amino acid with highly similar properties. This amino acid position is highly conserved in available vertebrate species. In addition, this alteration is predicted to be deleterious by in silico analysis. Since supporting evidence is limited at this time, the clinical significance of this alteration remains unclear.

Labcorp Genetics (formerly Invitae), Labcorp
Classification: Uncertain significance for Oto-palato-digital syndrome, type II; Heterotopia, periventricular, X-linked dominant; Frontometaphyseal dysplasia; Melnick-Needles syndrome. Last evaluated: 2024-07-15. Review status: criteria provided, single submitter. Criteria: Invitae Variant Classification Sherloc (09022015). Collection method: clinical testing. Allele origin: germline.
Comment: This sequence change replaces arginine, which is basic and polar, with histidine, which is basic and polar, at codon 1272 of the FLNA protein (p.Arg1272His). This variant is not present in population databases (gnomAD no frequency). This variant has not been reported in the literature in individuals affected with FLNA-related conditions. ClinVar contains an entry for this variant (Variation ID: 1306435). Advanced modeling of protein sequence and biophysical properties (such as structural, functional, and spatial information, amino acid conservation, physicochemical variation, residue mobility, and thermodynamic stability) performed at Invitae indicates that this missense variant is not expected to disrupt FLNA protein function with a negative predictive value of 95%. In summary, the available evidence is currently insufficient to determine the role of this variant in disease. Therefore, it has been classified as a Variant of Uncertain Significance.

Blueprint Genetics
Classification: Uncertain significance. Last evaluated: 2022-06-24. Review status: criteria provided, single submitter. Criteria: ACMG Guidelines, 2015. Collection method: clinical testing. Allele origin: germline.

GeneDx
Classification: Uncertain significance. Last evaluated: 2019-06-12. Review status: criteria provided, single submitter. Criteria: GeneDx Variant Classification Process June 2021. Collection method: clinical testing. Allele origin: germline. Affected: yes.
Comment: Has not been previously published as pathogenic or benign to our knowledge; Not observed in large population cohorts (Lek et al., 2016); In silico analysis, which includes protein predictors and evolutionary conservation, supports a deleterious effect